The following is an entry in ClinVar:

ClinVar aggregate classification (germline): Uncertain significance (1 of 4 stars; one submission).

Submission:

Ambry Genetics
Classification: Uncertain significance. Last evaluated: 2026-03-02. Review status: criteria provided, single submitter. Criteria: Ambry Variant Classification Scheme 2023. Collection method: clinical testing. Allele origin: germline.
Comment: The p.Q379P variant (also known as c.1136A>C), located in coding exon 9 of the FAM175A gene, results from an A to C substitution at nucleotide position 1136. The glutamine at codon 379 is replaced by proline, an amino acid with similar properties. This amino acid position is conserved. In addition, this alteration is predicted to be tolerated by in silico analysis. Based on the available evidence, the clinical significance of this variant remains unclear.

NM_139076.3(ABRAXAS1):c.1136A>C (p.Gln379Pro)

Gene: ABRAXAS1 (abraxas 1, BRCA1 A complex subunit; minus strand). Cytogenetic location: 4q21.23.
Variant type: single nucleotide variant.
Coding change: c.1136A>C on transcript NM_139076.3 (MANE Select); coding-DNA position 1136, A replaced by C.
Protein change: p.Gln379Pro; replaces glutamine 379 with proline.
Molecular consequence: missense variant.
Genome position (GRCh38, 1-based): chr4:83,462,563, T>G on the plus strand (A>C on the coding strand, the complement: ABRAXAS1 is on the minus strand). VCF-style: chr4-83462563-T-G. GRCh37 (hg19) VCF-style: chr4-84383716-T-G.
Other names: c.809A>C, p.Gln270Pro (NM_001345962.2); short protein forms Q270P, Q379P.
Identifiers: ClinVar variation 4826164 (VCV004826164.1).
Genomic context (GRCh38, chr4:83,462,563, plus strand): 5'-CCCTTCATCTTTTCAATTTCTTCATCTGTTTCTGGGCTGCTCATTTTGGATGCTTTATCT[T>G]GGTTACTACTACCAGTATCTGCTTTAGATCGTTTGTCTTGTGTATCTAACAACCGAGATC-3'
Protein context (NP_620775.2, residues 369-389): RSKADTGSSN[Gln379Pro]DKASKMSSPE